The following is an entry in ClinVar:

ClinVar aggregate classification (germline): Uncertain significance. Review status: criteria provided, multiple submitters, no conflicts (2 of 4 stars). 2 submissions from 2 submitters: Uncertain significance (2). Last evaluated 2025-08-29.

Conditions:
Inborn genetic diseases. Identifiers: MedGen C0950123, MeSH D030342.

Allele frequency attached by ClinVar (database versions not stated): TOPMed 0.00003; gnomAD 0.00004.
gnomAD v4.1: 54 of 1,612,086 alleles (0.0033%); highest among the groups gnomAD compares: Admixed American, 0.0067%; no homozygotes.

Submissions (2):

Ambry Genetics
Classification: Uncertain significance for Inborn genetic diseases. Last evaluated: 2025-08-29. Review status: criteria provided, single submitter. Criteria: Ambry Variant Classification Scheme 2023. Collection method: clinical testing. Allele origin: germline.

Labcorp Genetics (formerly Invitae), Labcorp
Classification: Uncertain significance. Last evaluated: 2022-09-06. Review status: criteria provided, single submitter. Criteria: Invitae Variant Classification Sherloc (09022015). Collection method: clinical testing. Allele origin: germline.
Comment: This sequence change replaces isoleucine, which is neutral and non-polar, with valine, which is neutral and non-polar, at codon 189 of the ERCC8 protein (p.Ile189Val). This variant is present in population databases (rs762206204, gnomAD 0.009%). This variant has not been reported in the literature in individuals affected with ERCC8-related conditions. ClinVar contains an entry for this variant (Variation ID: 1405900). Algorithms developed to predict the effect of missense changes on protein structure and function (SIFT, PolyPhen-2, Align-GVGD) all suggest that this variant is likely to be tolerated. In summary, the available evidence is currently insufficient to determine the role of this variant in disease. Therefore, it has been classified as a Variant of Uncertain Significance.

NM_000082.4(ERCC8):c.565A>G (p.Ile189Val)

Gene: ERCC8 (ERCC excision repair 8, CSA ubiquitin ligase complex subunit; minus strand). Cytogenetic location: 5q12.1.
Variant type: single nucleotide variant.
Coding change: c.565A>G on transcript NM_000082.4 (MANE Select); coding-DNA position 565, A replaced by G.
Protein change: p.Ile189Val; replaces isoleucine 189 with valine.
Molecular consequence: missense variant.
Genome position (GRCh38, 1-based): chr5:60,902,494, T>C on the plus strand (A>G on the coding strand, the complement: ERCC8 is on the minus strand). VCF-style: chr5-60902494-T-C. GRCh37 (hg19) VCF-style: chr5-60198321-T-C.
Other names: c.391A>G, p.Ile131Val (NM_001007233.3); c.106A>G, p.Ile36Val (NM_001290285.2); c.565A>G (NM_000082.3); short protein forms I36V, I131V, I189V.
Identifiers: ClinVar variation 1405900 (VCV001405900.4), dbSNP rs762206204, ClinGen allele CA3277789.
Genomic context (GRCh38, chr5:60,902,494, plus strand): 5'-AATTTTACCTTGCTGTTGCCAAGATATAGTCATAACGTGGAGACCAGGAAACTGCTAATA[T>C]TTCTTGTCTGTGACCTGCAAATACAACTATATGAAAAGTCTTGCAAGATATCTGAAAAAT-3'
Protein context (NP_000073.1, residues 179-199): SHILQGHRQE[Ile189Val]LAVSWSPRYD